The following is an entry in ClinVar:

ClinVar aggregate classification (germline): Pathogenic (0 of 4 stars; one submission).

Conditions:
alpha Thalassemia. Also called: Alpha thalassemia spectrum. Identifiers: Orphanet 846, MedGen C0002312, MONDO:0011399, OMIM 604131.

Submission:

Precision Medicine Lab Center, Yangjiang People's Hospital
Classification: Pathogenic for alpha Thalassemia. Last evaluated: 2025-02-06. Review status: no assertion criteria provided. Collection method: clinical testing. Allele origin: germline. Affected: yes. Observed: 1 variant allele.
Comment: The case report describes a compound heterozygous state of NC_000016.10:g.175997_178388del with --SEA. NC_000016.10:g.175997_178388del represents a 2.4 kb fragment deletion, leading to the complete deletion of the HBA1 gene. MCV: 66.50 fl; This variant is not documented in population databases. Based on the above evidence, this variant is classified as pathogenic.

NC_000016.10:g.175997_178388del

Genes: HBA1 (hemoglobin subunit alpha 1; plus strand), LOC106804613 (hemoglobin subunit alpha 1 recombination region; plus strand). Cytogenetic location: 16p13.3.
Variant type: Deletion.
Genome position: GRCh38: chr16:175,997-178,388. GRCh37 (hg19): chr16:225,996-228,387.
Identifiers: ClinVar variation 3903433 (VCV003903433.1).